The following is an entry in ClinVar:

NM_032242.4(PLXNA1):c.2722A>G (p.Ser908Gly)

Gene: PLXNA1 (plexin A1; plus strand). Cytogenetic location: 3q21.3.
Variant type: single nucleotide variant.
Coding change: c.2722A>G on transcript NM_032242.4 (MANE Select); coding-DNA position 2722, A replaced by G.
Protein change: p.Ser908Gly; replaces serine 908 with glycine.
Molecular consequence: missense variant.
Genome position (GRCh38, 1-based): chr3:127,014,595, A>G. VCF-style: chr3-127014595-A-G. GRCh37 (hg19) VCF-style: chr3-126733438-A-G.
Other names: short protein forms S908G.
Identifiers: ClinVar variation 3215524 (VCV003215524.2), dbSNP rs370453893, ClinGen allele CA2593738.

ClinVar aggregate classification (germline): Uncertain significance. Review status: criteria provided, multiple submitters, no conflicts (2 of 4 stars). 2 submissions from 2 submitters: Uncertain significance (2). Last evaluated 2026-04-07.

Conditions:
PLXNA1-related disorder. Also called: PLXNA1-related condition.

Allele frequency attached by ClinVar (database versions not stated): gnomAD exomes 0.00001; ExAC 0.00003; gnomAD 0.00003; TOPMed 0.00003; ESP Exome Variant Server 0.00015.
gnomAD v4.1: 16 of 1,613,150 alleles (0.00099%); highest among the groups gnomAD compares: Admixed American, 0.0017%; no homozygotes.

Submissions (2):

PreventionGenetics, part of Exact Sciences
Classification: Uncertain significance for PLXNA1-related condition. Last evaluated: 2026-04-07. Review status: criteria provided, single submitter. Criteria: ACMG Guidelines, 2015. Collection method: clinical testing. Allele origin: germline.
Comment: The PLXNA1 c.2722A>G variant is predicted to result in the amino acid substitution p.Ser908Gly. To our knowledge, this variant has not been reported in the literature. This variant is reported in 0.0039% of alleles in individuals of European (Non-Finnish) descent in gnomAD. At this time, the clinical significance of this variant is uncertain due to the absence of conclusive functional and genetic evidence.

Ambry Genetics
Classification: Uncertain significance. Last evaluated: 2024-01-17. Review status: criteria provided, single submitter. Criteria: Ambry Variant Classification Scheme 2023. Collection method: clinical testing. Allele origin: germline.